The following is an entry in ClinVar:

ClinVar aggregate classification (germline): Uncertain significance. Review status: criteria provided, multiple submitters, no conflicts (2 of 4 stars). 3 submissions from 3 submitters: Uncertain significance (3). Last evaluated 2023-04-11.

Conditions:
Developmental and epileptic encephalopathy, 18 (DEE18). Also called: Early infantile epileptic encephalopathy 18. Identifiers: Orphanet 369894, MedGen C3809624, MONDO:0014201, OMIM 615476.

Allele frequency attached by ClinVar (database versions not stated): gnomAD exomes below 0.00001; gnomAD 0.00001; TOPMed 0.00002.

Submissions (3):

Genome-Nilou Lab
Classification: Uncertain significance for Developmental and epileptic encephalopathy, 18. Last evaluated: 2023-04-11. Review status: criteria provided, single submitter. Criteria: ACMG Guidelines, 2015. Collection method: clinical testing. Allele origin: germline. Affected: no.

Labcorp Genetics (formerly Invitae), Labcorp
Classification: Uncertain significance. Last evaluated: 2022-07-12. Review status: criteria provided, single submitter. Criteria: Invitae Variant Classification Sherloc (09022015). Collection method: clinical testing. Allele origin: germline.
Comment: This sequence change replaces cysteine, which is neutral and slightly polar, with phenylalanine, which is neutral and non-polar, at codon 1364 of the SZT2 protein (p.Cys1364Phe). This variant is present in population databases (no rsID available, gnomAD 0.007%). This variant has not been reported in the literature in individuals affected with SZT2-related conditions. ClinVar contains an entry for this variant (Variation ID: 658922). Algorithms developed to predict the effect of missense changes on protein structure and function (SIFT, PolyPhen-2, Align-GVGD) all suggest that this variant is likely to be disruptive. In summary, the available evidence is currently insufficient to determine the role of this variant in disease. Therefore, it has been classified as a Variant of Uncertain Significance.

Revvity Omics, Revvity
Classification: Uncertain significance for Developmental and epileptic encephalopathy, 18. Last evaluated: 2020-06-01. Review status: criteria provided, single submitter. Criteria: ACMG Guidelines, 2015. Collection method: clinical testing. Allele origin: germline.

NM_001365999.1(SZT2):c.4262G>T (p.Cys1421Phe)

Gene: SZT2 (SZT2 subunit of KICSTOR complex; plus strand). Cytogenetic location: 1p34.2.
Variant type: single nucleotide variant.
Coding change: c.4262G>T on transcript NM_001365999.1 (MANE Select); coding-DNA position 4262, G replaced by T.
Protein change: p.Cys1421Phe; replaces cysteine 1421 with phenylalanine.
Molecular consequence: missense variant.
Genome position (GRCh38, 1-based): chr1:43,429,798, G>T. VCF-style: chr1-43429798-G-T. GRCh37 (hg19) VCF-style: chr1-43895469-G-T.
Other names: c.4091G>T, p.Cys1364Phe (NM_015284.4); short protein forms C1364F, C1421F.
Identifiers: ClinVar variation 658922 (VCV000658922.9), dbSNP rs1203698640, ClinGen allele CA340020645.
Genomic context (GRCh38, chr1:43,429,798, plus strand): 5'-AGAGCACCCGTGTCCCTGGCATTCCAGACCCTGGGCCAGAGATCTCTCTGACAGATGTCT[G>T]CCAGCTCAGAGGAGAGGCCCATGGTGCCCTTCATAGCGTCATCCAGGTGGGAAGCTTGGG-3'
Protein context (NP_001352928.1, residues 1411-1431): PGPEISLTDV[Cys1421Phe]QLRGEAHGAL